The following is an entry in ClinVar:

ClinVar aggregate classification (germline): Benign. Review status: criteria provided, multiple submitters, no conflicts (2 of 4 stars). 3 submissions from 3 submitters: Benign (3). Last evaluated 2018-07-13.

Submissions (3):

GeneDx
Classification: Benign. Last evaluated: 2018-07-13. Review status: criteria provided, single submitter. Criteria: GeneDx Variant Classification Process June 2021. Collection method: clinical testing. Allele origin: germline. Affected: yes.
Comment: This variant is associated with the following publications: (PMID: 23042115)

Laboratory for Molecular Medicine, Mass General Brigham Personalized Medicine
Classification: Benign. Last evaluated: 2016-03-29. Review status: criteria provided, single submitter. Criteria: LMM Criteria. Collection method: clinical testing. Allele origin: germline.
Comment: Variant identified in a genome or exome case(s) and assessed due to predicted null impact of the variant or pathogenic assertions in the literature or databases. Disclaimer: This variant has not undergone full assessment. The following are preliminary notes: Frequency

Breakthrough Genomics
Classification: Benign. Review status: criteria provided, single submitter. Criteria: ACMG Guidelines, 2015. Collection method: not provided. Allele origin: germline. Inheritance: Unknown mechanism. Affected: yes.

NM_138420.4(AHNAK2):c.9650T>C (p.Leu3217Pro)

Gene: AHNAK2 (AHNAK nucleoprotein 2; minus strand). Cytogenetic location: 14q32.33.
Variant type: single nucleotide variant.
Coding change: c.9650T>C on transcript NM_138420.4 (MANE Select); coding-DNA position 9650, T replaced by C.
Protein change: p.Leu3217Pro; replaces leucine 3217 with proline.
Molecular consequence: missense variant.
Genome position (GRCh38, 1-based): chr14:104,945,801, A>G on the plus strand (T>C on the coding strand, the complement: AHNAK2 is on the minus strand). VCF-style: chr14-104945801-A-G. GRCh37 (hg19) VCF-style: chr14-105412138-A-G.
Other names: c.9350T>C, p.Leu3117Pro (NM_001350929.2); short protein forms L3217P, L3117P.
Identifiers: ClinVar variation 402349 (VCV000402349.6), dbSNP rs200384326, ClinGen allele CA7379532.